The following is an entry in ClinVar:

NM_006059.4(LAMC3):c.422G>A (p.Arg141His)

Gene: LAMC3 (laminin subunit gamma 3; plus strand). Cytogenetic location: 9q34.12.
Variant type: single nucleotide variant.
Coding change: c.422G>A on transcript NM_006059.4 (MANE Select); coding-DNA position 422, G replaced by A.
Protein change: p.Arg141His; replaces arginine 141 with histidine.
Molecular consequence: missense variant.
Genome position (GRCh38, 1-based): chr9:131,026,333, G>A. VCF-style: chr9-131026333-G-A. GRCh37 (hg19) VCF-style: chr9-133901720-G-A.
Other names: short protein forms R141H.
Identifiers: ClinVar variation 502222 (VCV000502222.7), dbSNP rs756873191, ClinGen allele CA5286685.
Genomic context (GRCh38, chr9:131,026,333, plus strand): 5'-TCCTGGCTGCAGGGAAGGCTTATGAGATCACGTATGTGAGGCTGAAGTTCCACACCAGTC[G>A]CCCTGAGAGCTTTGCCATCTACAAGCGCAGCCGCGCCGACGGCCCATGGGAGCCCTACCA-3'
Protein context (NP_006050.3, residues 131-151): TYVRLKFHTS[Arg141His]PESFAIYKRS

ClinVar aggregate classification (germline): Uncertain significance. Review status: criteria provided, multiple submitters, no conflicts (2 of 4 stars). 2 submissions from 2 submitters: Uncertain significance (2). Last evaluated 2022-06-24.

Allele frequency attached by ClinVar (database versions not stated): TOPMed 0.00002.

Submissions (2):

Labcorp Genetics (formerly Invitae), Labcorp
Classification: Uncertain significance. Last evaluated: 2022-06-24. Review status: criteria provided, single submitter. Criteria: Invitae Variant Classification Sherloc (09022015). Collection method: clinical testing. Allele origin: germline.
Comment: This sequence change replaces arginine, which is basic and polar, with histidine, which is basic and polar, at codon 141 of the LAMC3 protein (p.Arg141His). This variant is present in population databases (rs756873191, gnomAD 0.01%). This variant has not been reported in the literature in individuals affected with LAMC3-related conditions. ClinVar contains an entry for this variant (Variation ID: 502222). Algorithms developed to predict the effect of missense changes on protein structure and function (SIFT, PolyPhen-2, Align-GVGD) all suggest that this variant is likely to be disruptive. In summary, the available evidence is currently insufficient to determine the role of this variant in disease. Therefore, it has been classified as a Variant of Uncertain Significance.

Eurofins Ntd Llc (ga)
Classification: Uncertain significance. Last evaluated: 2017-06-06. Review status: criteria provided, single submitter. Criteria: EGL Classification Definitions 2015. Collection method: clinical testing. Allele origin: germline. Observed: 1 variant allele, 1 heterozygote.